The following is an entry in ClinVar:

ClinVar aggregate classification (germline): Uncertain significance (1 of 4 stars; one submission).

Conditions:
Ehlers-Danlos syndrome, classic type, 1 (EDSCL1). Also called: EHLERS-DANLOS SYNDROME, GRAVIS TYPE; EHLERS-DANLOS SYNDROME, SEVERE CLASSIC TYPE; Ehlers-Danlos syndrome, type 1; Ehlers-Danlos Syndrome, Classic Type, COL5A1-Related; EDS I. Identifiers: MedGen C0268335, MONDO:0019567, OMIM 130000.

Allele frequency attached by ClinVar (database versions not stated): gnomAD exomes 0.00002; ExAC 0.00003; TOPMed below 0.00001.
gnomAD v4.1: 7 of 1,614,226 alleles (0.00043%); highest among the groups gnomAD compares: Admixed American, 0.0017%; no homozygotes.

Submission:

Labcorp Genetics (formerly Invitae), Labcorp
Classification: Uncertain significance for Ehlers-Danlos syndrome, classic type, 1. Last evaluated: 2025-06-24. Review status: criteria provided, single submitter. Criteria: Invitae Variant Classification Sherloc (09022015). Collection method: clinical testing. Allele origin: germline.
Comment: This sequence change replaces glycine, which is neutral and non-polar, with serine, which is neutral and polar, at codon 1607 of the COL5A1 protein (p.Gly1607Ser). This variant is present in population databases (rs753525012, gnomAD 0.003%). This variant has not been reported in the literature in individuals affected with COL5A1-related conditions. ClinVar contains an entry for this variant (Variation ID: 1428676). Invitae Evidence Modeling of protein sequence and biophysical properties (such as structural, functional, and spatial information, amino acid conservation, physicochemical variation, residue mobility, and thermodynamic stability) indicates that this missense variant is not expected to disrupt COL5A1 protein function with a negative predictive value of 80%. In summary, the available evidence is currently insufficient to determine the role of this variant in disease. Therefore, it has been classified as a Variant of Uncertain Significance.

NM_000093.5(COL5A1):c.4819G>A (p.Gly1607Ser)

Genes: COL5A1 (collagen type V alpha 1 chain; plus strand), LOC101448202 (uncharacterized LOC101448202; minus strand). Cytogenetic location: 9q34.3.
Variant type: single nucleotide variant.
Coding change: c.4819G>A on transcript NM_000093.5 (MANE Select); coding-DNA position 4819, G replaced by A.
Protein change: p.Gly1607Ser; replaces glycine 1607 with serine.
Molecular consequence: missense variant.
Genome position (GRCh38, 1-based): chr9:134,824,720, G>A. VCF-style: chr9-134824720-G-A. GRCh37 (hg19) VCF-style: chr9-137716566-G-A.
Other names: c.4819G>A, p.Gly1607Ser (NM_001278074.1); short protein forms G1607S.
Identifiers: ClinVar variation 1428676 (VCV001428676.6), dbSNP rs753525012, ClinGen allele CA5320487.
Genomic context (GRCh38, chr9:134,824,720, plus strand): 5'-ATCGACGCCAGCCAGCTGCTGGACGACGGGAATGGCGAGAACTACGTGGACTACGCGGAC[G>A]GCATGGAAGAGATCTTCGGCTCTCTCAACTCTCTGAAGCTGGAGATTGAGCAGATGAAAC-3'
Protein context (NP_000084.3, residues 1597-1617): NGENYVDYAD[Gly1607Ser]MEEIFGSLNS